The following is an entry in ClinVar:

NM_004055.5(CAPN5):c.44C>T (p.Ala15Val)

Gene: CAPN5 (calpain 5; plus strand). Cytogenetic location: 11q13.5.
Variant type: single nucleotide variant.
Coding change: c.44C>T on transcript NM_004055.5 (MANE Select); coding-DNA position 44, C replaced by T.
Protein change: p.Ala15Val; replaces alanine 15 with valine.
Molecular consequence: missense variant. On other transcripts: non-coding transcript variant (1).
Genome position (GRCh38, 1-based): chr11:77,084,930, C>T. VCF-style: chr11-77084930-C-T. GRCh37 (hg19) VCF-style: chr11-76795976-C-T.
Other names: c.44C>T, p.Ala15Val (NM_001425321.1, NM_001425322.1, NM_001425323.1); short protein forms A15V.
Identifiers: ClinVar variation 3671707 (VCV003671707.2).
Genomic context (GRCh38, chr11:77,084,930, plus strand): 5'-CTGGGGCAGCAGCCACCATGTTCTCGTGTGTGAAGCCCTATGAGGACCAGAACTACTCAG[C>T]CCTGAGGCGGGACTGCCGGCGCAGGAAGGTGCTCTTCGAGGACCCCCTCTTCCCCGCCAC-3'
Protein context (NP_004046.2, residues 5-25): VKPYEDQNYS[Ala15Val]LRRDCRRRKV

ClinVar aggregate classification (germline): Uncertain significance (1 of 4 stars; one submission).

gnomAD v4.1: 30 of 1,614,036 alleles (0.0019%); highest among the groups gnomAD compares: South Asian, 0.0044%; no homozygotes.

Submission:

Labcorp Genetics (formerly Invitae), Labcorp
Classification: Uncertain significance. Last evaluated: 2024-05-17. Review status: criteria provided, single submitter. Criteria: Invitae Variant Classification Sherloc (09022015). Collection method: clinical testing. Allele origin: germline.
Comment: This sequence change replaces alanine, which is neutral and non-polar, with valine, which is neutral and non-polar, at codon 15 of the CAPN5 protein (p.Ala15Val). This variant is present in population databases (rs781943181, gnomAD 0.006%). This variant has not been reported in the literature in individuals affected with CAPN5-related conditions. Advanced modeling of protein sequence and biophysical properties (such as structural, functional, and spatial information, amino acid conservation, physicochemical variation, residue mobility, and thermodynamic stability) performed at Invitae indicates that this missense variant is not expected to disrupt CAPN5 protein function with a negative predictive value of 80%. In summary, the available evidence is currently insufficient to determine the role of this variant in disease. Therefore, it has been classified as a Variant of Uncertain Significance.